The following is an entry in ClinVar:

ClinVar aggregate classification (germline): Likely pathogenic (1 of 4 stars; one submission).

Conditions:
Osteogenesis imperfecta (OI). Identifiers: Orphanet 666, MedGen C0029434, MeSH D010013, MONDO:0019019.

Submission:

Women's Health and Genetics/Laboratory Corporation of America, LabCorp
Classification: Likely pathogenic for Osteogenesis Imperfecta. Last evaluated: 2011-08-18. Review status: criteria provided, single submitter. Criteria: LabCorp Variant Classification Summary - May 2015. Collection method: curation. Allele origin: germline. Inheritance: autosomal unknown. Affected: yes.
ClinVar note: Converted during submission from likely pathogenic to Likely pathogenic.

NM_000089.4(COL1A2):c.3106-2del

Gene: COL1A2 (collagen type I alpha 2 chain; plus strand). Cytogenetic location: 7q21.3.
Variant type: Deletion.
Coding change: c.3106-2del on transcript NM_000089.4 (MANE Select); the canonical splice acceptor site of the intron before coding-DNA position 3106, one base deleted (A; older notation c.3106-2delA).
Molecular consequence: splice acceptor variant.
Genome position (GRCh38, 1-based): chr7:94,427,006, A deleted; the last of 3 consecutive A bases (chr7:94,427,004-94,427,006); deleting any one gives the same sequence. VCF-style (leftmost placement, unchanged base first): chr7-94427003-TA-T. GRCh37 (hg19) VCF-style: chr7-94056315-TA-T.
Other names: c.3106-2delA (NM_000089.3).
Identifiers: ClinVar variation 35946 (VCV000035946.3), dbSNP rs193922166, ClinGen allele CA260365.
Genomic context (GRCh38, chr7:94,427,003, plus strand): 5'-AAAAAAAAAAATATGTCTCTTGACATGTGCTCTGAAAGTGTGATTTTCCTCTTCTGTCTT[TA>T]AAGGGTCACCATGGTGATCAAGGTGCTCCTGGCTCCGTGGGTCCTGCTGGTCCTAGGGTA-3'